The following is an entry in ClinVar:

ClinVar aggregate classification (germline): Uncertain significance (1 of 4 stars; one submission).

Submission:

GeneDx
Classification: Uncertain significance. Last evaluated: 2022-01-13. Review status: criteria provided, single submitter. Criteria: GeneDx Variant Classification Process June 2021. Collection method: clinical testing. Allele origin: germline. Affected: yes.
Comment: Has not been previously published as pathogenic or benign to our knowledge; Not observed in large population cohorts (gnomAD); In silico analysis supports that this missense variant has a deleterious effect on protein structure/function

NM_017752.3(TBC1D8B):c.620A>T (p.Lys207Ile)

Gene: TBC1D8B (TBC1 domain family member 8B; plus strand). Cytogenetic location: Xq22.3.
Variant type: single nucleotide variant.
Coding change: c.620A>T on transcript NM_017752.3 (MANE Select); coding-DNA position 620, A replaced by T.
Protein change: p.Lys207Ile; replaces lysine 207 with isoleucine.
Molecular consequence: missense variant.
Genome position (GRCh38, 1-based): chrX:106,823,259, A>T. VCF-style: chrX-106823259-A-T. GRCh37 (hg19) VCF-style: chrX-106066489-A-T.
Other names: c.620A>T, p.Lys207Ile (NM_198881.2); short protein forms K207I.
Identifiers: ClinVar variation 1334353 (VCV001334353.2), dbSNP rs1931745837, ClinGen allele CA413821728.
Genomic context (GRCh38, chrX:106,823,259, plus strand): 5'-ATACCTGCTTATACCTCTTATTTGCAGTAAAACTCATTATCTCCTGGGATGAAGTCTCAA[A>T]ACTTGAAAAGACTTCAAATGTCATACTGACAGAGAGTATTCACGTGTGTTCCCAAGGAGA-3'
Protein context (NP_060222.2, residues 197-217): KLIISWDEVS[Lys207Ile]LEKTSNVILT